The following is an entry in ClinVar:

NC_000023.10:g.(?_49832242)_(49863888_?)del

Gene: CLCN5 (chloride voltage-gated channel 5; plus strand). Cytogenetic location: Xp11.22.
Variant type: Deletion.
Identifiers: ClinVar variation 4688304 (VCV004688304.1).

ClinVar aggregate classification (germline): Pathogenic (1 of 4 stars; one submission).

Conditions:
Dent disease. Also called: Dent's disease. Identifiers: Orphanet 1652, MedGen C0878681, MONDO:0015612.

Submission:

Women's Health and Genetics/Laboratory Corporation of America, LabCorp
Classification: Pathogenic for Dent disease. Last evaluated: 2025-12-15. Review status: criteria provided, single submitter. Criteria: LabCorp Variant Classification Summary - May 2015. Collection method: clinical testing. Allele origin: germline.
Comment: Variant summary: The variant involves the deletion of exons 1-12 in the CLCN5 gene. This deletion includes the entire coding sequence of the gene. As the exact proximal and distal breakpoints are unknown, it may extend beyond the annotated region of the gene to include other flanking genes. Loss-of-function variants in this gene are known to be pathogenic. A presumed nomenclature of c.(?_-221)_(*7012_?)del has been designated for the purposes of this classification. The variant was absent in 16118 control chromosomes. c.(?_-221)_(*7012_?)del has been observed in individual(s) affected with Dent Disease. To our knowledge, no experimental evidence demonstrating an impact on protein function has been reported. The following publication have been ascertained in the context of this evaluation (PMID: 9328929). No submitters have cited clinical-significance assessments for this variant to ClinVar. Based on the evidence outlined above, the variant was classified as pathogenic.

Literature cited by the submitters: PubMed 9328929.